The following is an entry in ClinVar:

ClinVar aggregate classification (germline): Uncertain significance (1 of 4 stars; one submission).

Conditions:
DICER1-related tumor predisposition. Also called: DICER1-related pleuropulmonary blastoma cancer predisposition syndrome; DICER1 syndrome. Identifiers: Orphanet 284343, MedGen C3839822, MONDO:0100216.

Submission:

Labcorp Genetics (formerly Invitae), Labcorp
Classification: Uncertain significance for DICER1-related tumor predisposition. Last evaluated: 2020-03-12. Review status: criteria provided, single submitter. Criteria: Invitae Variant Classification Sherloc (09022015). Collection method: clinical testing. Allele origin: germline.
Comment: In summary, this variant is a novel missense change with uncertain impact on protein function. It has been classified as a Variant of Uncertain Significance. Algorithms developed to predict the effect of missense changes on protein structure and function do not agree on the potential impact of this missense change (SIFT: "Tolerated"; PolyPhen-2: "Probably Damaging"; Align-GVGD: "Class C0"). This variant is not present in population databases (ExAC no frequency) and has not been reported in the literature in individuals with a DICER1-related disease. This sequence change replaces leucine with phenylalanine at codon 957 of the DICER1 protein (p.Leu957Phe). The leucine residue is highly conserved and there is a small physicochemical difference between leucine and phenylalanine.

NM_177438.3(DICER1):c.2869C>T (p.Leu957Phe)

Gene: DICER1 (dicer 1, ribonuclease III; minus strand). Cytogenetic location: 14q32.13.
Variant type: single nucleotide variant.
Coding change: c.2869C>T on transcript NM_177438.3 (MANE Select); coding-DNA position 2869, C replaced by T.
Protein change: p.Leu957Phe; replaces leucine 957 with phenylalanine.
Molecular consequence: missense variant.
Genome position (GRCh38, 1-based): chr14:95,106,159, G>A on the plus strand (C>T on the coding strand, the complement: DICER1 is on the minus strand). VCF-style: chr14-95106159-G-A. GRCh37 (hg19) VCF-style: chr14-95572496-G-A.
Other names: c.2869C>T, p.Leu957Phe (NM_001195573.1, NM_001271282.3, NM_001291628.2 and 1 more transcripts); short protein forms L957F.
Identifiers: ClinVar variation 412133 (VCV000412133.10), dbSNP rs1060503634, ClinGen allele CA16614355.